The following is an entry in ClinVar:

ClinVar aggregate classification (germline): Uncertain significance. Review status: criteria provided, multiple submitters, no conflicts (2 of 4 stars). 2 submissions from 2 submitters: Uncertain significance (2). Last evaluated 2023-10-16.

Conditions:
Joubert syndrome 15 (JBTS15). Identifiers: Orphanet 475, MedGen C3280897, MONDO:0013763, OMIM 614464.

Allele frequency attached by ClinVar (database versions not stated): gnomAD exomes below 0.00001 and 0.00002; gnomAD 0.00002 and 0.00003.
gnomAD v4.1: 27 of 1,609,626 alleles (0.0017%); highest among the groups gnomAD compares: South Asian, 0.0033%; no homozygotes.

Submissions (2):

Labcorp Genetics (formerly Invitae), Labcorp
Classification: Uncertain significance for Joubert syndrome 15. Last evaluated: 2023-10-16. Review status: criteria provided, single submitter. Criteria: Invitae Variant Classification Sherloc (09022015). Collection method: clinical testing. Allele origin: germline.
Comment: This sequence change replaces alanine, which is neutral and non-polar, with threonine, which is neutral and polar, at codon 97 of the CEP41 protein (p.Ala97Thr). This variant is present in population databases (rs200516165, gnomAD 0.0009%). This variant has not been reported in the literature in individuals affected with CEP41-related conditions. ClinVar contains an entry for this variant (Variation ID: 358944). Advanced modeling of protein sequence and biophysical properties (such as structural, functional, and spatial information, amino acid conservation, physicochemical variation, residue mobility, and thermodynamic stability) performed at Invitae indicates that this missense variant is not expected to disrupt CEP41 protein function. In summary, the available evidence is currently insufficient to determine the role of this variant in disease. Therefore, it has been classified as a Variant of Uncertain Significance.

Illumina Laboratory Services, Illumina
Classification: Uncertain significance for Joubert syndrome 15. Last evaluated: 2018-01-13. Review status: criteria provided, single submitter. Criteria: ICSL Variant Classification Criteria 13 December 2019. Collection method: clinical testing. Allele origin: germline.

NM_018718.3(CEP41):c.289G>A (p.Ala97Thr)

Gene: CEP41 (centrosomal protein 41; minus strand). Cytogenetic location: 7q32.2.
Variant type: single nucleotide variant.
Coding change: c.289G>A on transcript NM_018718.3 (MANE Select); coding-DNA position 289, G replaced by A.
Protein change: p.Ala97Thr; replaces alanine 97 with threonine.
Molecular consequence: missense variant. On other transcripts: non-coding transcript variant (1).
Genome position (GRCh38, 1-based): chr7:130,404,697, C>T on the plus strand (G>A on the coding strand, the complement: CEP41 is on the minus strand). VCF-style: chr7-130404697-C-T. GRCh37 (hg19) VCF-style: chr7-130044538-C-T.
Other names: c.289G>A, p.Ala97Thr (NM_001257158.2); c.241G>A, p.Ala81Thr (NM_001257159.2); short protein forms A97T, A81T.
Identifiers: ClinVar variation 358944 (VCV000358944.8), dbSNP rs200516165, ClinGen allele CA10623293.